The following is an entry in ClinVar:

ClinVar aggregate classification (germline): Uncertain significance (1 of 4 stars; one submission).

Conditions:
Hereditary cancer-predisposing syndrome. Also called: Neoplastic Syndromes, Hereditary; Tumor predisposition; Hereditary neoplastic syndrome; Hereditary Cancer Syndrome. Identifiers: Orphanet 140162, MedGen C0027672, MeSH D009386, MONDO:0015356.

Submission:

Ambry Genetics
Classification: Uncertain significance for Hereditary cancer-predisposing syndrome. Last evaluated: 2024-01-12. Review status: criteria provided, single submitter. Criteria: Ambry Variant Classification Scheme 2023. Collection method: clinical testing. Allele origin: germline.
Comment: The p.I1607L variant (also known as c.4819A>C), located in coding exon 10 of the BRCA2 gene, results from an A to C substitution at nucleotide position 4819. The isoleucine at codon 1607 is replaced by leucine, an amino acid with highly similar properties. This amino acid position is conserved. In addition, this alteration is predicted to be tolerated by in silico analysis. Since supporting evidence is limited at this time, the clinical significance of this alteration remains unclear.

NM_000059.4(BRCA2):c.4819A>C (p.Ile1607Leu)

Gene: BRCA2 (BRCA2 DNA repair associated; plus strand). Cytogenetic location: 13q13.1.
Variant type: single nucleotide variant.
Coding change: c.4819A>C on transcript NM_000059.4 (MANE Select); coding-DNA position 4819, A replaced by C.
Protein change: p.Ile1607Leu; replaces isoleucine 1607 with leucine.
Molecular consequence: missense variant. On other transcripts: non-coding transcript variant (1), intron variant (2).
Genome position (GRCh38, 1-based): chr13:32,339,174, A>C. VCF-style: chr13-32339174-A-C. GRCh37 (hg19) VCF-style: chr13-32913311-A-C.
Other names: c.4819A>C, p.Ile1607Leu (NM_001406719.1, NM_001406720.1); c.1910-5384A>C (NM_001406721.1); c.425-5384A>C (NM_001406722.1); short protein forms I1607L.
Identifiers: ClinVar variation 3227041 (VCV003227041.1), dbSNP rs200582465, ClinGen allele CA387783292.